The following is an entry in ClinVar:

NM_005876.5(SPEG):c.2134G>A (p.Val712Met)

Gene: SPEG (striated muscle enriched protein kinase; plus strand). Cytogenetic location: 2q35.
Variant type: single nucleotide variant.
Coding change: c.2134G>A on transcript NM_005876.5 (MANE Select); coding-DNA position 2134, G replaced by A.
Protein change: p.Val712Met; replaces valine 712 with methionine.
Molecular consequence: missense variant.
Genome position (GRCh38, 1-based): chr2:219,451,156, G>A. VCF-style: chr2-219451156-G-A. GRCh37 (hg19) VCF-style: chr2-220315878-G-A.
Other names: short protein forms V712M.
Identifiers: ClinVar variation 1435067 (VCV001435067.7), dbSNP rs375953839, ClinGen allele CA2125758.

ClinVar aggregate classification (germline): Uncertain significance. Review status: criteria provided, multiple submitters, no conflicts (2 of 4 stars). 2 submissions from 2 submitters: Uncertain significance (2). Last evaluated 2022-11-10.

Conditions:
Inborn genetic diseases. Identifiers: MedGen C0950123, MeSH D030342.
Myopathy, centronuclear, 5 (CNM5). Identifiers: Orphanet 169186, MedGen C4014814, MONDO:0014418, OMIM 615959.

Allele frequency attached by ClinVar (database versions not stated): gnomAD 0.00001; gnomAD exomes 0.00001; TOPMed 0.00003; ESP Exome Variant Server 0.00008; ExAC 0.00001.
gnomAD v4.1: 11 of 1,613,172 alleles (0.00068%); highest among the groups gnomAD compares: Admixed American, 0.0017%; no homozygotes.

Submissions (2):

Ambry Genetics
Classification: Uncertain significance for Inborn genetic diseases. Last evaluated: 2022-11-10. Review status: criteria provided, single submitter. Criteria: Ambry Variant Classification Scheme 2023. Collection method: clinical testing. Allele origin: germline.

Labcorp Genetics (formerly Invitae), Labcorp
Classification: Uncertain significance. Last evaluated: 2022-11-03. Review status: criteria provided, single submitter. Criteria: Invitae Variant Classification Sherloc (09022015). Collection method: clinical testing. Allele origin: germline.
Comment: In summary, the available evidence is currently insufficient to determine the role of this variant in disease. Therefore, it has been classified as a Variant of Uncertain Significance. Algorithms developed to predict the effect of missense changes on protein structure and function are either unavailable or do not agree on the potential impact of this missense change (SIFT: "Deleterious"; PolyPhen-2: "Probably Damaging"; Align-GVGD: "Class C0"). ClinVar contains an entry for this variant (Variation ID: 1435067). This variant has not been reported in the literature in individuals affected with SPEG-related conditions. This variant is present in population databases (rs375953839, gnomAD 0.003%). This sequence change replaces valine, which is neutral and non-polar, with methionine, which is neutral and non-polar, at codon 712 of the SPEG protein (p.Val712Met).